The following is an entry in ClinVar:

NM_001330078.2(NRXN1):c.656C>A (p.Ala219Glu)

Gene: NRXN1 (neurexin 1; minus strand). Cytogenetic location: 2p16.3.
Variant type: single nucleotide variant.
Coding change: c.656C>A on transcript NM_001330078.2 (MANE Select); coding-DNA position 656, C replaced by A.
Protein change: p.Ala219Glu; replaces alanine 219 with glutamic acid.
Molecular consequence: missense variant.
Genome position (GRCh38, 1-based): chr2:51,027,618, G>T on the plus strand (C>A on the coding strand, the complement: NRXN1 is on the minus strand). VCF-style: chr2-51027618-G-T. GRCh37 (hg19) VCF-style: chr2-51254756-G-T.
Other names: c.656C>A, p.Ala219Glu (NM_001135659.3, NM_001330077.2, NM_001330079.2 and 15 more transcripts); short protein forms A219E.
Identifiers: ClinVar variation 1019622 (VCV001019622.8), dbSNP rs1360707101, ClinGen allele CA346823560.

ClinVar aggregate classification (germline): Uncertain significance (1 of 4 stars; one submission).

Conditions:
Pitt-Hopkins-like syndrome 2 (PTHSL2). Identifiers: Orphanet 221150, Orphanet 600663, MedGen C3280479, MONDO:0013690, OMIM 614325.

Allele frequency attached by ClinVar (database versions not stated): gnomAD exomes below 0.00001; TOPMed below 0.00001.
gnomAD v4.1: 1 of 1,585,974 alleles (0.000063%); highest among the groups gnomAD compares: Non-Finnish European, 0.000086%; no homozygotes.

Submission:

Labcorp Genetics (formerly Invitae), Labcorp
Classification: Uncertain significance for Pitt-Hopkins-like syndrome 2. Last evaluated: 2020-08-20. Review status: criteria provided, single submitter. Criteria: Invitae Variant Classification Sherloc (09022015). Collection method: clinical testing. Allele origin: germline.
Comment: This sequence change replaces alanine with glutamic acid at codon 219 of the NRXN1 protein (p.Ala219Glu). The alanine residue is moderately conserved and there is a moderate physicochemical difference between alanine and glutamic acid. This variant is not present in population databases (ExAC no frequency). This variant has not been reported in the literature in individuals with NRXN1-related conditions. Algorithms developed to predict the effect of missense changes on protein structure and function are either unavailable or do not agree on the potential impact of this missense change (SIFT: "Deleterious"; PolyPhen-2: "Benign"; Align-GVGD: "Class C0"). In summary, the available evidence is currently insufficient to determine the role of this variant in disease. Therefore, it has been classified as a Variant of Uncertain Significance.